The following is an entry in ClinVar:

NM_004380.3(CREBBP):c.2716G>C (p.Val906Leu)

Gene: CREBBP (CREB binding lysine acetyltransferase; minus strand). Cytogenetic location: 16p13.3.
Variant type: single nucleotide variant.
Coding change: c.2716G>C on transcript NM_004380.3 (MANE Select); coding-DNA position 2716, G replaced by C.
Protein change: p.Val906Leu; replaces valine 906 with leucine.
Molecular consequence: missense variant.
Genome position (GRCh38, 1-based): chr16:3,770,734, C>G on the plus strand (G>C on the coding strand, the complement: CREBBP is on the minus strand). VCF-style: chr16-3770734-C-G. GRCh37 (hg19) VCF-style: chr16-3820735-C-G.
Other names: c.2602G>C, p.Val868Leu (NM_001079846.1); short protein forms V906L, V868L.
Identifiers: ClinVar variation 1997241 (VCV001997241.4), dbSNP rs2141201118, ClinGen allele CA394551065.

ClinVar aggregate classification (germline): Uncertain significance (1 of 4 stars; one submission).

Conditions:
Rubinstein-Taybi syndrome (RSTS). Identifiers: Orphanet 783, MedGen C0035934, MONDO:0019188.

Submission:

Labcorp Genetics (formerly Invitae), Labcorp
Classification: Uncertain significance for Rubinstein-Taybi syndrome. Last evaluated: 2022-05-21. Review status: criteria provided, single submitter. Criteria: Invitae Variant Classification Sherloc (09022015). Collection method: clinical testing. Allele origin: germline.
Comment: In summary, the available evidence is currently insufficient to determine the role of this variant in disease. Therefore, it has been classified as a Variant of Uncertain Significance. Advanced modeling of protein sequence and biophysical properties (such as structural, functional, and spatial information, amino acid conservation, physicochemical variation, residue mobility, and thermodynamic stability) performed at Invitae indicates that this missense variant is not expected to disrupt CREBBP protein function. This variant has not been reported in the literature in individuals affected with CREBBP-related conditions. This variant is not present in population databases (gnomAD no frequency). This sequence change replaces valine, which is neutral and non-polar, with leucine, which is neutral and non-polar, at codon 906 of the CREBBP protein (p.Val906Leu).